The following is an entry in ClinVar:

ClinVar aggregate classification (germline): Uncertain significance (1 of 4 stars; one submission).

Conditions:
Developmental and epileptic encephalopathy 103 (DEE103). Identifiers: MedGen C5677002, MONDO:0030957, OMIM 619913.

Submission:

Institute of Human Genetics, University of Leipzig Medical Center
Classification: Uncertain significance for Developmental and epileptic encephalopathy 103. Last evaluated: 2025-03-04. Review status: criteria provided, single submitter. Criteria: ACMG Guidelines, 2015. Collection method: clinical testing. Allele origin: unknown. Inheritance: Autosomal dominant inheritance. Affected: yes.
Comment: Criteria applied: PM2,PP2,PP3

NM_139137.4(KCNC2):c.1476A>C (p.Lys492Asn)

Gene: KCNC2 (potassium voltage-gated channel subfamily C member 2; minus strand). Cytogenetic location: 12q21.1.
Variant type: single nucleotide variant.
Coding change: c.1476A>C on transcript NM_139137.4 (MANE Select); coding-DNA position 1476, A replaced by C.
Protein change: p.Lys492Asn; replaces lysine 492 with asparagine.
Molecular consequence: missense variant. On other transcripts: non-coding transcript variant (1).
Genome position (GRCh38, 1-based): chr12:75,050,529, T>G on the plus strand (A>C on the coding strand, the complement: KCNC2 is on the minus strand). VCF-style: chr12-75050529-T-G. GRCh37 (hg19) VCF-style: chr12-75444309-T-G.
Other names: c.1476A>C, p.Lys492Asn (NM_001260497.2, NM_001260498.2, NM_001260499.2 and 13 more transcripts); short protein forms K492N.
Identifiers: ClinVar variation 3773696 (VCV003773696.2).
Genomic context (GRCh38, chr12:75,050,529, plus strand): 5'-TTCTGTCTTGCAAAAAGTAGGTGAGCTTGCCTGAGGAGCAGGAGGGATGTGCTTCTTTCT[T>G]TTCCTTGGAAGTTTCTGCTTTGCCATTGCCAAGGAGTAGTACATTCCAAAATTATTGACA-3'
Protein context (NP_631875.1, residues 482-502): LAMAKQKLPR[Lys492Asn]RKKHIPPAPQ